The following is an entry in ClinVar:

ClinVar aggregate classification (germline): Benign. Review status: criteria provided, single submitter (1 of 4 stars). 2 submissions from 1 submitter: Benign (2). Last evaluated 2018-01-13.

Conditions:
Platelet-type bleeding disorder 9 (BDPLT9). Also called: GLYCOPROTEIN Ia DEFICIENCY; GP Ia DEFICIENCY; COLLAGEN PLATELET RECEPTOR DEFICIENCY. Identifiers: Orphanet 73271, Orphanet 98886, MedGen C3280114, MONDO:0013622, OMIM 614200.
Sulfite oxidase deficiency due to molybdenum cofactor deficiency type B1 (MOCODB1). Also called: MOLYBDENUM COFACTOR DEFICIENCY, TYPE B1; Molybdenum cofactor deficiency, complementation group B; Sulfite oxidase deficiency due to molybdenum cofactor deficiency type B; Molybdenum cofactor deficiency B. Identifiers: Orphanet 308393, Orphanet 833, MedGen C6065887, MONDO:0009644, OMIM 252160.

Allele frequency attached by ClinVar (database versions not stated): gnomAD 0.00995 and 0.01012; TOPMed 0.01581; 1000 Genomes Project 0.01577; 1000 Genomes Project 30x 0.01718.

Submissions (2):

Illumina Laboratory Services, Illumina
Classification: Benign for Sulfite oxidase deficiency due to molybdenum cofactor deficiency type B1. Last evaluated: 2018-01-13. Review status: criteria provided, single submitter. Criteria: ICSL Variant Classification Criteria 13 December 2019. Collection method: clinical testing. Allele origin: germline.
Comment: This variant was observed in the ICSL laboratory as part of a predisposition screen in an ostensibly healthy population. It had not been previously curated by ICSL or reported in the Human Gene Mutation Database (HGMD: prior to June 1st, 2018), and was therefore a candidate for classification through an automated scoring system. Utilizing variant allele frequency, disease prevalence and penetrance estimates, and inheritance mode, an automated score was calculated to assess if this variant is too frequent to cause the disease. Based on the score and internal cut-off values, a variant classified as benign is not then subjected to further curation. The score for this variant resulted in a classification of benign for this disease.

Illumina Laboratory Services, Illumina
Classification: Benign for Platelet-type bleeding disorder 9. Last evaluated: 2018-01-13. Review status: criteria provided, single submitter. Criteria: ICSL Variant Classification Criteria 13 December 2019. Collection method: clinical testing. Allele origin: germline.
Comment: the same text as in the submission from Illumina Laboratory Services, Illumina above.

NM_004531.5(MOCS2):c.*2582A>C

Genes: ITGA2 (integrin subunit alpha 2; plus strand), MOCS2 (molybdenum cofactor synthesis 2; minus strand). Cytogenetic location: 5q11.2.
Variant type: single nucleotide variant.
Coding change: c.*2582A>C on transcript NM_004531.5 (MANE Select); 2582 bases downstream of the stop codon, A replaced by C.
Molecular consequence: 3 prime UTR variant.
Genome position (GRCh38, 1-based): chr5:53,096,020, T>G on the plus strand (A>C on the coding strand, the complement: MOCS2 is on the minus strand). VCF-style: chr5-53096020-T-G. GRCh37 (hg19) VCF-style: chr5-52391850-T-G.
Other names: c.*3069A>C (NM_176806.4).
Identifiers: ClinVar variation 903786 (VCV000903786.6), dbSNP rs12518145, ClinGen allele CA118882804.
Genomic context (GRCh38, chr5:53,096,020, plus strand): 5'-AATCAGGGCCTAATTTTCATTTCGGAACCACTACAGCCTGACTTTAAAGAAAATGGCTAC[T>G]AAACTGAACTTTTGGTTCTATGCAAAATTAAATCTAAGTAAGACTCAAGTTGCTAAGAGC-3'